The following is an entry in ClinVar:

ClinVar aggregate classification (germline): Likely pathogenic. Review status: criteria provided, single submitter (1 of 4 stars). 2 submissions from 1 submitter: Likely pathogenic (2). Last evaluated 2021-11-18.

Conditions:
Brain malformations with or without urinary tract defects. Also called: Brain malformations and urinary tract defects. Identifiers: MedGen C4478940, MONDO:0100478, OMIM 613735.
Chromosome 1p32-p31 deletion syndrome. Identifiers: Orphanet 401986, MedGen C4707828, MONDO:0013396.

Submissions (2):

Institute of Human Genetics, University of Leipzig Medical Center
Classification: Likely pathogenic for Brain malformations with or without urinary tract defects. Last evaluated: 2021-11-18. Review status: criteria provided, single submitter. Criteria: ACMG Guidelines, 2015. Collection method: clinical testing. Allele origin: unknown. Affected: yes.
Comment: _x000D_ Criteria applied: PVS1, PM2_SUP

Institute of Human Genetics, University of Leipzig Medical Center
Classification: Likely pathogenic for Brain malformations with or without urinary tract defects. Last evaluated: 2021-11-18. Review status: criteria provided, single submitter. Criteria: ACMG Guidelines, 2015. Collection method: clinical testing. Allele origin: maternal. Inheritance: Autosomal dominant inheritance. Affected: yes.

NM_001134673.4(NFIA):c.1086dup (p.Ala363fs)

Gene: NFIA (nuclear factor I A; plus strand). Cytogenetic location: 1p31.3.
Variant type: Duplication.
Coding change: c.1086dup on transcript NM_001134673.4 (MANE Select); coding-DNA position 1086, one base duplicated (T; older notation c.1086dupT).
Protein change: p.Ala363fs; shifts the reading frame from alanine 363.
Molecular consequence: frameshift variant.
Genome position (GRCh38, 1-based): chr1:61,404,114, T duplicated. VCF-style (leftmost placement, unchanged base first): chr1-61404113-A-AT. GRCh37 (hg19) VCF-style: chr1-61869785-A-AT.
Other names: c.1086dup, p.Ala363fs (NM_005595.5); c.1062dup, p.Ala355fs (NM_001145511.2); c.1221dup, p.Ala408fs (NM_001145512.2); short protein forms A355fs, A363fs, A408fs.
Identifiers: ClinVar variation 1325836 (VCV001325836.2), dbSNP rs2100520890, ClinGen allele CA2573051604.